The following is an entry in ClinVar:

NM_000548.5(TSC2):c.2785G>A (p.Glu929Lys)

Gene: TSC2 (TSC complex subunit 2; plus strand). Cytogenetic location: 16p13.3.
Variant type: single nucleotide variant.
Coding change: c.2785G>A on transcript NM_000548.5 (MANE Select); coding-DNA position 2785, G replaced by A.
Protein change: p.Glu929Lys; replaces glutamic acid 929 with lysine.
Molecular consequence: missense variant.
Genome position (GRCh38, 1-based): chr16:2,076,533, G>A. VCF-style: chr16-2076533-G-A. GRCh37 (hg19) VCF-style: chr16-2126534-G-A.
Other names: c.2785G>A, p.Glu929Lys (NM_001077183.3, NM_001114382.3, NM_001363528.2 and 3 more transcripts); c.2674G>A, p.Glu892Lys (NM_001318827.2); c.2638G>A, p.Glu880Lys (NM_001318829.2); c.2185G>A, p.Glu729Lys (NM_001318831.2); c.2818G>A, p.Glu940Lys (NM_001318832.2); short protein forms E929K, E880K, E729K, E892K, E940K.
Identifiers: ClinVar variation 480854 (VCV000480854.23), dbSNP rs45517268, ClinGen allele CA041991.

ClinVar aggregate classification (germline): Likely benign. Review status: criteria provided, multiple submitters, no conflicts (2 of 4 stars). 5 submissions from 5 submitters: Likely benign (5). Last evaluated 2025-09-13.

Conditions:
Hereditary cancer-predisposing syndrome. Also called: Hereditary neoplastic syndrome; Neoplastic Syndromes, Hereditary; Tumor predisposition; Hereditary Cancer Syndrome. Identifiers: Orphanet 140162, MedGen C0027672, MeSH D009386, MONDO:0015356.
Tuberous sclerosis 2 (TSC2). Identifiers: Orphanet 805, MedGen C1860707, MONDO:0013199, OMIM 613254.

Allele frequency attached by ClinVar (database versions not stated): gnomAD exomes below 0.00001 and 0.00002; gnomAD 0.00003 and 0.00004; TOPMed 0.00003; ExAC 0.00004; ESP Exome Variant Server 0.00015.
gnomAD v4.1: 12 of 1,613,452 alleles (0.00074%); highest among the groups gnomAD compares: African/African-American, 0.008%; no homozygotes.

Submissions (5):

Labcorp Genetics (formerly Invitae), Labcorp
Classification: Likely benign for Tuberous sclerosis 2. Last evaluated: 2025-09-13. Review status: criteria provided, single submitter. Criteria: Invitae Variant Classification Sherloc (09022015). Collection method: clinical testing. Allele origin: germline.

Ambry Genetics
Classification: Likely benign for Hereditary cancer-predisposing syndrome. Last evaluated: 2025-05-30. Review status: criteria provided, single submitter. Criteria: Ambry Variant Classification Scheme 2023. Collection method: clinical testing. Allele origin: germline.

Myriad Genetics, Inc.
Classification: Likely benign for Tuberous sclerosis 2. Last evaluated: 2024-08-14. Review status: criteria provided, single submitter. Criteria: Myriad Autosomal Dominant, Autosomal Recessive and X-Linked Classification Criteria (2023). Collection method: clinical testing. Allele origin: unknown.
Comment: This variant is considered likely benign. This variant has been observed at a population frequency that is significantly greater than expected given the associated disease prevalence and penetrance.

Genome-Nilou Lab
Classification: Likely benign for Tuberous sclerosis 2. Last evaluated: 2021-11-07. Review status: criteria provided, single submitter. Criteria: ACMG Guidelines, 2015. Collection method: clinical testing. Allele origin: germline. Affected: no.

GeneDx
Classification: Likely benign. Last evaluated: 2019-04-04. Review status: criteria provided, single submitter. Criteria: GeneDx Variant Classification Process June 2021. Collection method: clinical testing. Allele origin: germline. Affected: yes.
Comment: This variant is associated with the following publications: (PMID: 22558107)

Literature cited by the submitters: PubMed 22558107 (cited by Ambry Genetics).